The following is an entry in ClinVar:

NM_001278669.2(NFATC1):c.260C>T (p.Ser87Leu)

Gene: NFATC1 (nuclear factor of activated T cells 1; plus strand). Cytogenetic location: 18q23.
Variant type: single nucleotide variant.
Coding change: c.260C>T on transcript NM_001278669.2 (MANE Select); coding-DNA position 260, C replaced by T.
Protein change: p.Ser87Leu; replaces serine 87 with leucine.
Molecular consequence: missense variant. On other transcripts: intron variant (2).
Genome position (GRCh38, 1-based): chr18:79,410,535, C>T. VCF-style: chr18-79410535-C-T. GRCh37 (hg19) VCF-style: chr18-77170535-C-T.
Other names: c.260C>T, p.Ser87Leu (NM_001278670.2, NM_006162.5, NM_172390.3); c.221C>T, p.Ser74Leu (NM_001278672.2, NM_001278675.2, NM_172387.3 and 1 more transcripts); c.-191+14184C>T (NM_172388.3); c.-191+10056C>T (NM_001278673.2); short protein forms S74L, S87L.
Identifiers: ClinVar variation 3405090 (VCV003405090.3).

ClinVar aggregate classification (germline): Uncertain significance. Review status: criteria provided, multiple submitters, no conflicts (2 of 4 stars). 2 submissions from 2 submitters: Uncertain significance (2). Last evaluated 2025-10-10.

gnomAD v4.1: 90 of 1,611,596 alleles (0.0056%); highest among the groups gnomAD compares: East Asian, 0.011%; no homozygotes.

Submissions (2):

Labcorp Genetics (formerly Invitae), Labcorp
Classification: Uncertain significance. Last evaluated: 2025-10-10. Review status: criteria provided, single submitter. Criteria: Invitae Variant Classification Sherloc (09022015). Collection method: clinical testing. Allele origin: germline.
Comment: This sequence change replaces serine, which is neutral and polar, with leucine, which is neutral and non-polar, at codon 87 of the NFATC1 protein (p.Ser87Leu). This variant is present in population databases (rs372492742, gnomAD 0.04%). This variant has not been reported in the literature in individuals affected with NFATC1-related conditions. ClinVar contains an entry for this variant (Variation ID: 3405090). An algorithm developed to predict the effect of missense changes on protein structure and function (PolyPhen-2) suggests that this variant is likely to be tolerated. In summary, the available evidence is currently insufficient to determine the role of this variant in disease. Therefore, it has been classified as a Variant of Uncertain Significance.

Ambry Genetics
Classification: Uncertain significance. Last evaluated: 2024-12-03. Review status: criteria provided, single submitter. Criteria: Ambry Variant Classification Scheme 2023. Collection method: clinical testing. Allele origin: germline.